The following is an entry in ClinVar:

NC_000020.10:g.(?_3063276)_(3218325_?)dup

Genes: AVP (arginine vasopressin; minus strand), DDRGK1 (DDRGK domain containing 1; minus strand), FASTKD5 (FAST kinase domains 5; minus strand), ITPA (inosine triphosphatase; plus strand), LZTS3 (leucine zipper tumor suppressor family member 3; minus strand) and 2 more. Cytogenetic location: 20p13.
Variant type: Duplication.
Identifiers: ClinVar variation 2427137 (VCV002427137.4).

ClinVar aggregate classification (germline): Uncertain significance (1 of 4 stars; one submission).

Conditions:
Inosine triphosphatase deficiency. Also called: INOSINE TRIPHOSPHATE PYROPHOSPHOHYDROLASE DEFICIENCY. Identifiers: MedGen C0342800, MONDO:0013461, OMIM 613850.

Submission:

Labcorp Genetics (formerly Invitae), Labcorp
Classification: Uncertain significance for Inosine triphosphatase deficiency. Last evaluated: 2022-03-04. Review status: criteria provided, single submitter. Criteria: Invitae Variant Classification Sherloc (09022015). Collection method: clinical testing. Allele origin: germline.
Comment: A copy number gain of the genomic region encompassing the full coding sequence of the ITPA gene has been identified. The boundaries of this event are unknown as they extend beyond the assayed region for this gene and therefore may encompass additional genes. As the precise location of this event is unknown, it may be in tandem or it may be located elsewhere in the genome. This variant has not been reported in the literature in individuals affected with ITPA-related conditions. In summary, the available evidence is currently insufficient to determine the role of this variant in disease. Therefore, it has been classified as a Variant of Uncertain Significance.